The following is an entry in ClinVar:

NM_001099857.5(IKBKG):c.949C>T (p.Gln317Ter)

Gene: IKBKG (inhibitor of nuclear factor kappa B kinase regulatory subunit gamma; plus strand). Cytogenetic location: Xq28.
Variant type: single nucleotide variant.
Coding change: c.949C>T on transcript NM_001099857.5 (MANE Select); coding-DNA position 949, C replaced by T.
Protein change: p.Gln317Ter; replaces glutamine 317 with a stop codon.
Molecular consequence: nonsense. On other transcripts: non-coding transcript variant (1).
Genome position (GRCh38, 1-based): chrX:154,563,595, C>T. VCF-style: chrX-154563595-C-T. GRCh37 (hg19) VCF-style: chrX-153791810-C-T.
Other names: c.1153C>T, p.Gln385Ter (NM_001099856.6); c.652C>T, p.Gln218Ter (NM_001145255.4); c.949C>T, p.Gln317Ter (NM_001321396.3, NM_001377312.1, NM_003639.4); c.946C>T, p.Gln316Ter (NM_001321397.3, NM_001377313.1); c.793C>T, p.Gln265Ter (NM_001377314.1); c.580C>T, p.Gln194Ter (NM_001377315.1); short protein forms Q194*, Q218*, Q265*, Q316*, Q317*, Q385*.
Identifiers: ClinVar variation 4880269 (VCV004880269.1).

ClinVar aggregate classification (germline): Likely pathogenic (1 of 4 stars; one submission).

Conditions:
Incontinentia pigmenti syndrome (IP). Also called: Incontinentia Pigmenti; BLOCH-SULZBERGER SYNDROME; INCONTINENTIA PIGMENTI, FAMILIAL MALE-LETHAL TYPE; INCONTINENTIA PIGMENTI, TYPE II. Identifiers: Orphanet 464, MedGen C0021171, MONDO:0010631, OMIM 308300.

Submission:

Genetic Metabolism Laboratory, West China Second University Hospital, Sichuan University
Classification: Likely pathogenic for Incontinentia pigmenti syndrome. Last evaluated: 2026-06-01. Review status: criteria provided, single submitter. Criteria: ACMG Guidelines, 2015. Collection method: clinical testing. Allele origin: maternal. Inheritance: X-linked dominant inheritance. Affected: yes. Observed: 1 variant allele, 1 heterozygote.
Comment: This is a nonsense variant in IKBKG which is predicted to result in a premature stop codon at position 317, and likely results in an absent or disrupted protein product (PVS1). This variant is not present in gnomAD (PM2_sup). In summary, this variant meets criteria to be classified as likely pathogenic for IP based on the ACMG/AMP criteria applied: PVS1 + PM2_support.